The following is an entry in ClinVar:

ClinVar aggregate classification (germline): Uncertain significance (1 of 4 stars; one submission).

Submission:

GeneDx
Classification: Uncertain significance. Last evaluated: 2022-08-17. Review status: criteria provided, single submitter. Criteria: GeneDx Variant Classification Process June 2021. Collection method: clinical testing. Allele origin: germline. Affected: yes.
Comment: Not observed at significant frequency in large population cohorts (gnomAD); In silico analysis supports that this missense variant has a deleterious effect on protein structure/function; Has not been previously published as pathogenic or benign to our knowledge

NM_007118.4(TRIO):c.1790G>A (p.Gly597Glu)

Gene: TRIO (trio Rho guanine nucleotide exchange factor; plus strand). Cytogenetic location: 5p15.2.
Variant type: single nucleotide variant.
Coding change: c.1790G>A on transcript NM_007118.4 (MANE Select); coding-DNA position 1790, G replaced by A.
Protein change: p.Gly597Glu; replaces glycine 597 with glutamic acid.
Molecular consequence: missense variant. On other transcripts: non-coding transcript variant (1).
Genome position (GRCh38, 1-based): chr5:14,330,836, G>A. VCF-style: chr5-14330836-G-A. GRCh37 (hg19) VCF-style: chr5-14330945-G-A.
Other names: short protein forms G597E.
Identifiers: ClinVar variation 2431000 (VCV002431000.1), dbSNP rs2532408081, ClinGen allele CA359234226.